The following is an entry in ClinVar:

ClinVar aggregate classification (germline): Conflicting classifications of pathogenicity. Review status: criteria provided, conflicting classifications (1 of 4 stars). 4 submissions from 4 submitters: Uncertain significance (2); Likely benign (2). Last evaluated 2025-11-27.

Conditions:
MAGEL2-related disorder. Also called: MAGEL2-related condition.
Inborn genetic diseases. Identifiers: MedGen C0950123, MeSH D030342.

Allele frequency attached by ClinVar (database versions not stated): gnomAD 0.00001; TOPMed 0.00003.

Submissions (4):

Labcorp Genetics (formerly Invitae), Labcorp
Classification: Uncertain significance. Last evaluated: 2025-11-27. Review status: criteria provided, single submitter. Criteria: Invitae Variant Classification Sherloc (09022015). Collection method: clinical testing. Allele origin: germline.
Comment: This sequence change replaces arginine, which is basic and polar, with histidine, which is basic and polar, at codon 941 of the MAGEL2 protein (p.Arg941His). This variant is present in population databases (rs770798048, gnomAD 0.006%). This variant has not been reported in the literature in individuals affected with MAGEL2-related conditions. ClinVar contains an entry for this variant (Variation ID: 2460301). Invitae Evidence Modeling of protein sequence and biophysical properties (such as structural, functional, and spatial information, amino acid conservation, physicochemical variation, residue mobility, and thermodynamic stability) indicates that this missense variant is not expected to disrupt MAGEL2 protein function with a negative predictive value of 80%. In summary, the available evidence is currently insufficient to determine the role of this variant in disease. Therefore, it has been classified as a Variant of Uncertain Significance.

PreventionGenetics, part of Exact Sciences
Classification: Uncertain significance for MAGEL2-related condition. Last evaluated: 2025-07-08. Review status: criteria provided, single submitter. Criteria: ACMG Guidelines, 2015. Collection method: clinical testing. Allele origin: germline.
Comment: The MAGEL2 c.2822G>A variant is predicted to result in the amino acid substitution p.Arg941His. To our knowledge, this variant has not been reported in the literature. This variant is reported in 0.0065% of alleles in individuals of South Asian descent in gnomAD. At this time, the clinical significance of this variant is uncertain due to the absence of conclusive functional and genetic evidence.

Ambry Genetics
Classification: Likely benign for Inborn genetic diseases. Last evaluated: 2023-01-26. Review status: criteria provided, single submitter. Criteria: Ambry Variant Classification Scheme 2023. Collection method: clinical testing. Allele origin: germline.

Blueprint Genetics
Classification: Likely benign. Last evaluated: 2021-10-25. Review status: criteria provided, single submitter. Criteria: ACMG Guidelines, 2015. Collection method: clinical testing. Allele origin: germline.

NM_019066.5(MAGEL2):c.2822G>A (p.Arg941His)

Gene: MAGEL2 (MAGE family member L2; minus strand). Cytogenetic location: 15q11.2.
Variant type: single nucleotide variant.
Coding change: c.2822G>A on transcript NM_019066.5 (MANE Select); coding-DNA position 2822, G replaced by A.
Protein change: p.Arg941His; replaces arginine 941 with histidine.
Molecular consequence: missense variant.
Genome position (GRCh38, 1-based): chr15:23,644,921, C>T on the plus strand (G>A on the coding strand, the complement: MAGEL2 is on the minus strand). VCF-style: chr15-23644921-C-T. GRCh37 (hg19) VCF-style: chr15-23890068-C-T.
Other names: short protein forms R941H.
Identifiers: ClinVar variation 2460301 (VCV002460301.5), dbSNP rs770798048, ClinGen allele CA7429809.
Genomic context (GRCh38, chr15:23,644,921, plus strand): 5'-GGCCCTTCCCAGCCACTCAGGATCCTGGAGGTGCTAGGGCCCTCCCAACCACTCAGGCCA[C>T]GGGGGGTGTTTGGGTGCTCCCAGTCACCCGAGACCTGGATAGGGCTTTGGACCTCCCAGT-3'
Protein context (NP_061939.3, residues 931-951): SGDWEHPNTP[Arg941His]GLSGWEGPST